The following is an entry in ClinVar:

ClinVar aggregate classification (germline): Pathogenic. Review status: criteria provided, multiple submitters, no conflicts (2 of 4 stars). 3 submissions from 3 submitters: Pathogenic (3). Last evaluated 2023-11-02.

Conditions:
Spastic paraplegia. Identifiers: MedGen C0037772, HP:0001258.
Allan-Herndon-Dudley syndrome (AHDS). Also called: MENTAL RETARDATION AND MUSCULAR ATROPHY; T3 RESISTANCE; TRIIODOTHYRONINE RESISTANCE; Passos-Bueno syndrome; ALLAN-HERNDON SYNDROME. Identifiers: Orphanet 59, MedGen C0795889, MONDO:0010354, OMIM 300523.

Submissions (3):

Labcorp Genetics (formerly Invitae), Labcorp
Classification: Pathogenic for Spastic paraplegia. Last evaluated: 2023-11-02. Review status: criteria provided, single submitter. Criteria: Invitae Variant Classification Sherloc (09022015). Collection method: clinical testing. Allele origin: germline.
Comment: This sequence change creates a premature translational stop signal (p.Gln52*) in the SLC16A2 gene. It is expected to result in an absent or disrupted protein product. Loss-of-function variants in SLC16A2 are known to be pathogenic (PMID: 20083155, 25527620). This variant is not present in population databases (gnomAD no frequency). This variant has not been reported in the literature in individuals affected with SLC16A2-related conditions. ClinVar contains an entry for this variant (Variation ID: 620181). For these reasons, this variant has been classified as Pathogenic.

Duke University Health System Sequencing Clinic, Duke University Health System
Classification: Pathogenic for Allan-Herndon-Dudley syndrome. Last evaluated: 2023-04-20. Review status: criteria provided, single submitter. Criteria: ACMG Guidelines, 2015. Collection method: research. Allele origin: maternal. Affected: yes.

GeneDx
Classification: Pathogenic. Last evaluated: 2018-01-31. Review status: criteria provided, single submitter. Criteria: GeneDx Variant Classification (06012015). Collection method: clinical testing. Allele origin: germline. Affected: yes.
Comment: The Q52X nonsense variant in the SLC16A2 gene is predicted to cause loss of normal protein function either through protein truncation or nonsense-mediated mRNA decay. The Q52X variant is not observed in large population cohorts (Lek et al., 2016).

Literature cited by the submitters: PubMed 20083155 (cited by Labcorp Genetics (formerly Invitae), Labcorp); PubMed 25527620 (cited by Labcorp Genetics (formerly Invitae), Labcorp).

NM_006517.5(SLC16A2):c.154C>T (p.Gln52Ter)

Gene: SLC16A2 (solute carrier family 16 member 2; plus strand). Cytogenetic location: Xq13.2.
Variant type: single nucleotide variant.
Coding change: c.154C>T on transcript NM_006517.5 (MANE Select); coding-DNA position 154, C replaced by T.
Protein change: p.Gln52Ter; replaces glutamine 52 with a stop codon.
Molecular consequence: nonsense.
Genome position (GRCh38, 1-based): chrX:74,421,791, C>T. VCF-style: chrX-74421791-C-T. GRCh37 (hg19) VCF-style: chrX-73641626-C-T.
Other names: short protein forms Q52*.
Identifiers: ClinVar variation 620181 (VCV000620181.6), dbSNP rs1569281085, ClinGen allele CA413655889.